The following continues an entry in ClinVar:

NM_007294.4(BRCA1):c.5128G>A (p.Gly1710Arg)

Gene: BRCA1. ClinVar aggregate classification (germline): Conflicting classifications of pathogenicity. Uncertain significance (7); Likely benign (1).

Submissions 6 to 10 of 10:

Lupski Lab, Baylor-Hopkins CMG, Baylor College of Medicine
Classification: Likely benign for Breast-ovarian cancer, familial, susceptibility to, 1. Last evaluated: 2024-04-12. Review status: criteria provided, single submitter. Criteria: Dawood et al. (medRxiv. 2024). Collection method: curation. Allele origin: germline.
Comment: Each variant was annotated with functional scores from MAVE data which was translated into functional evidence codes. All other evidence codes and combining criteria were adhered to as closely as possible based on the ClinGen VCEP (Variant Curation Expert Panel) gene-specific recommendations. See Supplemental Figure 34 of final paper (Supp Fig. 28 in preprint: doi:10.1101/2024.04.11.24305690) for a table to see which lines of evidence we did not have data for. The ClinGen VCEPs are highly regarded as the gold-standard for gene-specific variant curation and are developed after extensive evaluation of the evidence by clinical and scientific experts for the particular gene to classify genomic variants on a spectrum from pathogenic to benign using the 2015 ACMG/AMP Variant Interpretation Guidelines as a backbone (PMID: 25741868). Reclassification of these VUS variants from gnomAD or All of Us focused only on variants originally prescribed as VUS in ClinVar. To ensure reproducibility, transparency, and increased throughput, all the procedures for annotating variants and assigning evidence codes were codified using Python. All code has been made freely available and is linked in the Code Availability section and all reclassified variants with evidence codes used can be found in Tables S18-19 (preprint: doi:10.1101/2024.04.11.24305690). For the MAVE data, the clinical curation and clinical strength assignment as per the ClinGen recommendations in Brnich et al. (2020) (PMID: 31892348) for or against pathogenicity or benignity of each of these MAVE datasets utilized in this study were previously published in Fayer et al. (2021) (PMID: 34793697).In brief, for BRCA1 variants, if a variant was categorized as FUNC (functional), it was assigned BS3 evidence and no PS3 evidence, whereas if it was categorized as LOF (loss of function), the variant was assigned PS3 evidence and no BS3 evidence. Variants categorized as INT (intermediate) were left unannotated. For the BRCA1 combining criteria, greater than or equal to 1 criteria of strong benign evidence was enough to reclassify the VUS as Likely Benign. This variant GRCh38:17:43063898:C>T was assigned evidence codes ['BS3'] and an overall classification of Likely benign

GeneDx
Classification: Uncertain significance. Last evaluated: 2024-01-14. Review status: criteria provided, single submitter. Criteria: GeneDx Variant Classification Process June 2021. Collection method: clinical testing. Allele origin: germline. Affected: yes.
Comment: In silico analysis supports that this missense variant has a deleterious effect on protein structure/function; Not observed at significant frequency in large population cohorts (gnomAD); Also known as 5247G>A, p.G1731A (c.5191G>A); This variant is associated with the following publications: (PMID: 29884841, 36530327, 25348405, 30209399, 30287823, 32546644, 36243179)

Color Diagnostics, LLC DBA Color Health
Classification: Uncertain significance for Hereditary cancer-predisposing syndrome. Last evaluated: 2020-03-24. Review status: criteria provided, single submitter. Criteria: ACMG Guidelines, 2015. Collection method: clinical testing. Allele origin: germline.
Comment: This missense variant replaces glycine with arginine at codon 1710 of the BRCA1 protein. Computational prediction is inconclusive regarding the impact of this variant on protein structure and function (internally defined REVEL score threshold 0.5 < inconclusive < 0.7, PMID: 27666373). Splice site prediction tools suggest that this variant may not impact RNA splicing. This variant has been reported to be functional in a haploid cell proliferation assay (PMID: 30209399). This variant has not been reported in individuals affected with hereditary cancer in the literature. This variant has been identified in 4/251320 chromosomes in the general population by the Genome Aggregation Database (gnomAD). The available evidence is insufficient to determine the role of this variant in disease conclusively. Therefore, this variant is classified as a Variant of Uncertain Significance.

Brotman Baty Institute, University of Washington
No classification provided (evidence only). Condition: Breast-ovarian cancer, familial 1. Review status: no classification provided. Collection method: in vitro. Allele origin: not applicable. Functional consequence: functionally_normal. Not counted in ClinVar's aggregate classification.
ClinVar note: "not provided" was previously submitted as the classification for the variant. However, the classification appeared to be based only on an observation of functional data so it was converted to no classification on 2025-07-30.

Department of Pathology and Laboratory Medicine, Sinai Health System
Classification: Uncertain significance for Breast-ovarian cancer, familial, susceptibility to, 1. Review status: no assertion criteria provided. Collection method: clinical testing. Allele origin: unknown. Affected: yes. Study: The Canadian Open Genetics Repository (COGR). Not counted in ClinVar's aggregate classification.
Comment: The BRCA1 p.Gly1710Arg variant was identified in 1 of 22482 control chromosomes (frequency 0.00004) from healthy individuals (Momozawa 2018). It was identified in dbSNP (ID: rs397509229) as "With pathogenic allele", LOVD 3.0 (observed 5x) and in UMD-LSDB (3 records of unknown clinical significance). The variant was not identified in the ClinVar database. It was also identified in control databases in 5 of 246166 chromosomes at a frequency of 0.00002 (Genome Aggregation Database Feb 27, 2017). The variant was observed in the following population: South Asian in 5 of 30778 chromosomes (freq: 0.0002), while the variant was not observed in the African, Other, Latino, European, Ashkenazi Jewish, East Asian or Finnish populations. The p.Gly1710 residue is conserved in mammals and computational analyses (PolyPhen-2, SIFT, AlignGVGD, BLOSUM, MutationTaster) provide inconsistent predictions regarding the impact to the protein; this information is not very predictive of pathogenicity. The variant occurs outside of the splicing consensus sequence and 1 of 4 in silico or computational prediction software programs (SpliceSiteFinder, MaxEntScan, NNSPLICE, GeneSplicer) predict a greater than 10% difference in splicing; this is not very predictive of pathogenicity. In summary, based on the above information the clinical significance of this variant cannot be determined with certainty at this time. This variant is classified as a variant of uncertain significance.

Literature cited by the submitters: PubMed 30209399 (cited by 4 submitters); PubMed 30287823 (cited by Women's Health and Genetics/Laboratory Corporation of America, LabCorp and Quest Diagnostics Nichols Institute San Juan Capistrano); PubMed 32546644 (cited by 3 submitters); PubMed 39142283 (cited by Lupski Lab, Baylor-Hopkins CMG, Baylor College of Medicine); PubMed 34793697 (cited by Lupski Lab, Baylor-Hopkins CMG, Baylor College of Medicine); DOI 10.1101/2024.04.11.24305690 (cited by Lupski Lab, Baylor-Hopkins CMG, Baylor College of Medicine).